The following is an entry in ClinVar:

ClinVar aggregate classification (germline): Pathogenic (1 of 4 stars; one submission).

Conditions:
Hereditary cancer-predisposing syndrome. Also called: Neoplastic Syndromes, Hereditary; Tumor predisposition; Hereditary neoplastic syndrome; Hereditary Cancer Syndrome. Identifiers: Orphanet 140162, MedGen C0027672, MeSH D009386, MONDO:0015356.

Submission:

Ambry Genetics
Classification: Pathogenic for Hereditary cancer-predisposing syndrome. Last evaluated: 2023-12-08. Review status: criteria provided, single submitter. Criteria: Ambry Variant Classification Scheme 2023. Collection method: clinical testing. Allele origin: germline.
Comment: The c.7891_7900dup10 variant, located in coding exon 16 of the BRCA2 gene, results from a duplication of 10 nucleotides (CTGGCAGCTA) at position 7891 to 7900, causing a translational frameshift with a predicted alternate stop codon (p.M2634Tfs*10). This alteration is expected to result in loss of function by premature protein truncation or nonsense-mediated mRNA decay. As such, this alteration is interpreted as a disease-causing mutation.

NM_000059.4(BRCA2):c.7891_7900dup (p.Met2634fs)

Gene: BRCA2 (BRCA2 DNA repair associated; plus strand). Cytogenetic location: 13q13.1.
Variant type: Duplication.
Coding change: c.7891_7900dup on transcript NM_000059.4 (MANE Select); coding-DNA positions 7891 to 7900, 10 bases duplicated (CTGGCAGCTA; older notation c.7891_7900dupCTGGCAGCTA).
Protein change: p.Met2634fs; shifts the reading frame from methionine 2634.
Molecular consequence: frameshift variant. On other transcripts: non-coding transcript variant (1).
Genome position (GRCh38, 1-based): chr13:32,362,608-32,362,617, CTGGCAGCTA duplicated; duplicating any 10 consecutive bases within chr13:32,362,607-32,362,617 gives the same sequence; the c. name uses the placement nearest the transcript's 3' end. VCF-style (leftmost placement, unchanged base first): chr13-32362606-A-AACTGGCAGCT. GRCh37 (hg19) VCF-style: chr13-32936743-A-AACTGGCAGCT.
Other names: c.7795_7804dup, p.Met2602fs (NM_001406719.1); c.7891_7900dup, p.Met2634fs (NM_001406720.1); c.2959_2968dup, p.Met990fs (NM_001406721.1); c.1474_1483dup, p.Met495fs (NM_001406722.1); c.7891_7900dupCTGGCAGCTA (NM_000059.3); short protein forms M2602fs, M2634fs, M495fs, M990fs.
Identifiers: ClinVar variation 3228960 (VCV003228960.1), dbSNP rs2548545474, ClinGen allele CA2825002143.